The following is an entry in ClinVar:

ClinVar aggregate classification (germline): Uncertain significance. Review status: criteria provided, multiple submitters, no conflicts (2 of 4 stars). 2 submissions from 2 submitters: Uncertain significance (2). Last evaluated 2024-03-25.

Conditions:
Pancreatic cancer, susceptibility to, 1. Identifiers: Orphanet 1333, MedGen C1847351, MONDO:0011739, OMIM 606856.

Allele frequency attached by ClinVar (database versions not stated): gnomAD 0.00001; TOPMed 0.00001.

Submissions (2):

Fulgent Genetics
Classification: Uncertain significance for Pancreatic cancer, susceptibility to, 1. Last evaluated: 2024-03-25. Review status: criteria provided, single submitter. Criteria: ACMG Guidelines, 2015. Collection method: clinical testing. Allele origin: germline.

Ambry Genetics
Classification: Uncertain significance. Last evaluated: 2022-05-30. Review status: criteria provided, single submitter. Criteria: Ambry Variant Classification Scheme 2023. Collection method: clinical testing. Allele origin: germline.
Comment: The p.R379G variant (also known as c.1135A>G), located in coding exon 3 of the PALLD gene, results from an A to G substitution at nucleotide position 1135. The arginine at codon 379 is replaced by glycine, an amino acid with dissimilar properties. This amino acid position is conserved. In addition, this alteration is predicted to be tolerated by in silico analysis. Since supporting evidence is limited at this time, the clinical significance of this alteration remains unclear.

NM_001166108.2(PALLD):c.1135A>G (p.Arg379Gly)

Gene: PALLD (palladin, cytoskeletal associated protein; plus strand). Cytogenetic location: 4q32.3.
Variant type: single nucleotide variant.
Coding change: c.1135A>G on transcript NM_001166108.2 (MANE Select); coding-DNA position 1135, A replaced by G.
Protein change: p.Arg379Gly; replaces arginine 379 with glycine.
Molecular consequence: missense variant. On other transcripts: 5 prime UTR variant (1).
Genome position (GRCh38, 1-based): chr4:168,681,379, A>G. VCF-style: chr4-168681379-A-G. GRCh37 (hg19) VCF-style: chr4-169602530-A-G.
Other names: c.-12A>G (NM_001166109.2); c.1135A>G, p.Arg379Gly (NM_016081.4); short protein forms R379G.
Identifiers: ClinVar variation 1729501 (VCV001729501.3), dbSNP rs1348758631, ClinGen allele CA358794085.